The following is an entry in ClinVar:

ClinVar aggregate classification (germline): Uncertain significance (1 of 4 stars; one submission).

Submission:

Ambry Genetics
Classification: Uncertain significance. Last evaluated: 2024-04-29. Review status: criteria provided, single submitter. Criteria: Ambry Variant Classification Scheme 2023. Collection method: clinical testing. Allele origin: germline.
Comment: The p.L700V variant (also known as c.2098C>G), located in coding exon 18 of the BUB1 gene, results from a C to G substitution at nucleotide position 2098. The leucine at codon 700 is replaced by valine, an amino acid with highly similar properties. This amino acid position is conserved. In addition, this alteration is predicted to be tolerated by in silico analysis. Based on the available evidence, the clinical significance of this variant remains unclear.

NM_004336.5(BUB1):c.2098C>G (p.Leu700Val)

Gene: BUB1 (BUB1 mitotic checkpoint serine/threonine kinase; minus strand). Cytogenetic location: 2q13.
Variant type: single nucleotide variant.
Coding change: c.2098C>G on transcript NM_004336.5 (MANE Select); coding-DNA position 2098, C replaced by G.
Protein change: p.Leu700Val; replaces leucine 700 with valine.
Molecular consequence: missense variant.
Genome position (GRCh38, 1-based): chr2:110,650,651, G>C on the plus strand (C>G on the coding strand, the complement: BUB1 is on the minus strand). VCF-style: chr2-110650651-G-C. GRCh37 (hg19) VCF-style: chr2-111408228-G-C.
Other names: c.2038C>G, p.Leu680Val (NM_001278616.2); c.2098C>G, p.Leu700Val (NM_001278617.2); short protein forms L700V, L680V.
Identifiers: ClinVar variation 3262152 (VCV003262152.1).